The following is an entry in ClinVar:

ClinVar aggregate classification (germline): Uncertain significance (1 of 4 stars; one submission).

Allele frequency attached by ClinVar (database versions not stated): gnomAD 0.00001; ExAC 0.00002; TOPMed 0.00001; gnomAD exomes 0.00002.
gnomAD v4.1: 25 of 1,614,030 alleles (0.0015%); highest among the groups gnomAD compares: Non-Finnish European, 0.0019%; no homozygotes.

Submission:

Labcorp Genetics (formerly Invitae), Labcorp
Classification: Uncertain significance. Last evaluated: 2022-08-06. Review status: criteria provided, single submitter. Criteria: Invitae Variant Classification Sherloc (09022015). Collection method: clinical testing. Allele origin: germline.
Comment: In summary, the available evidence is currently insufficient to determine the role of this variant in disease. Therefore, it has been classified as a Variant of Uncertain Significance. Algorithms developed to predict the effect of missense changes on protein structure and function are either unavailable or do not agree on the potential impact of this missense change (SIFT: "Deleterious"; PolyPhen-2: "Probably Damaging"; Align-GVGD: "Class C0"). This variant has not been reported in the literature in individuals affected with SLC36A2-related conditions. This variant is present in population databases (rs755913700, gnomAD 0.003%). This sequence change replaces valine, which is neutral and non-polar, with methionine, which is neutral and non-polar, at codon 373 of the SLC36A2 protein (p.Val373Met).

NM_181776.3(SLC36A2):c.1117G>A (p.Val373Met)

Gene: SLC36A2 (solute carrier family 36 member 2; minus strand). Cytogenetic location: 5q33.1.
Variant type: single nucleotide variant.
Coding change: c.1117G>A on transcript NM_181776.3 (MANE Select); coding-DNA position 1117, G replaced by A.
Protein change: p.Val373Met; replaces valine 373 with methionine.
Molecular consequence: missense variant.
Genome position (GRCh38, 1-based): chr5:151,322,109, C>T on the plus strand (G>A on the coding strand, the complement: SLC36A2 is on the minus strand). VCF-style: chr5-151322109-C-T. GRCh37 (hg19) VCF-style: chr5-150701670-C-T.
Other names: short protein forms V373M.
Identifiers: ClinVar variation 1974884 (VCV001974884.5), dbSNP rs755913700, ClinGen allele CA3518633.